The following is an entry in ClinVar:

NM_018139.3(DNAAF2):c.895G>C (p.Ala299Pro)

Gene: DNAAF2 (dynein axonemal assembly factor 2; minus strand). Cytogenetic location: 14q21.3.
Variant type: single nucleotide variant.
Coding change: c.895G>C on transcript NM_018139.3 (MANE Select); coding-DNA position 895, G replaced by C.
Protein change: p.Ala299Pro; replaces alanine 299 with proline.
Molecular consequence: missense variant.
Genome position (GRCh38, 1-based): chr14:49,634,255, C>G on the plus strand (G>C on the coding strand, the complement: DNAAF2 is on the minus strand). VCF-style: chr14-49634255-C-G. GRCh37 (hg19) VCF-style: chr14-50100973-C-G.
Other names: c.895G>C, p.Ala299Pro (NM_001083908.2); short protein forms A299P.
Identifiers: ClinVar variation 2190450 (VCV002190450.4), dbSNP rs748369356, ClinGen allele CA7173001.

ClinVar aggregate classification (germline): Uncertain significance (1 of 4 stars; one submission).

Conditions:
Primary ciliary dyskinesia. Also called: Ciliary dyskinesia. Identifiers: Orphanet 244, MedGen C0008780, MONDO:0016575, HP:0012265.

Allele frequency attached by ClinVar (database versions not stated): ExAC 0.00001.

Submission:

Labcorp Genetics (formerly Invitae), Labcorp
Classification: Uncertain significance for Primary ciliary dyskinesia. Last evaluated: 2022-06-18. Review status: criteria provided, single submitter. Criteria: Invitae Variant Classification Sherloc (09022015). Collection method: clinical testing. Allele origin: germline.
Comment: In summary, the available evidence is currently insufficient to determine the role of this variant in disease. Therefore, it has been classified as a Variant of Uncertain Significance. Algorithms developed to predict the effect of missense changes on protein structure and function are either unavailable or do not agree on the potential impact of this missense change (SIFT: "Tolerated"; PolyPhen-2: "Possibly Damaging"; Align-GVGD: "Class C0"). This variant has not been reported in the literature in individuals affected with DNAAF2-related conditions. This variant is present in population databases (rs748369356, gnomAD 0.0009%). This sequence change replaces alanine, which is neutral and non-polar, with proline, which is neutral and non-polar, at codon 299 of the DNAAF2 protein (p.Ala299Pro).